The following is an entry in ClinVar:

ClinVar aggregate classification (germline): Uncertain significance (1 of 4 stars; one submission).

Conditions:
Neuropathy, hereditary sensory, type 1F. Also called: HSN IF; Hereditary sensory neuropathy type IF. Identifiers: Orphanet 36386, MedGen C3810194, MONDO:0014286, OMIM 615632.

Submission:

Labcorp Genetics (formerly Invitae), Labcorp
Classification: Uncertain significance for Neuropathy, hereditary sensory, type 1F. Last evaluated: 2022-03-22. Review status: criteria provided, single submitter. Criteria: Invitae Variant Classification Sherloc (09022015). Collection method: clinical testing. Allele origin: germline.
Comment: This sequence change inserts a large fragment of DNA, likely a transposable element, in exon 11 of the ATL3 gene (c.1045_1046ins?), causing a frameshift at codon 349 (p.Glu349fs). The exact size and sequence of the insertion cannot be determined by the current assay. However, the insertion is expected to result in an absent or disrupted protein product. This variant is not present in population databases (gnomAD no frequency). This variant has not been reported in the literature in individuals affected with ATL3-related conditions. Algorithms developed to predict the effect of sequence changes on RNA splicing suggest that this variant may disrupt the consensus splice site. Retrotransposon insertions including LINE1 (L1), Alu, and SVA (SINE-VNTR-Alu) have been reported to disrupt protein function (PMID: 19763152, 20307669, 22406018). However the effect of this particular variant is unknown. In summary, the available evidence is currently insufficient to determine the role of this variant in disease. Therefore, it has been classified as a Variant of Uncertain Significance.

Literature cited by the submitters: PubMed 19763152; PubMed 20307669; PubMed 22406018.

NC_000011.10:g.63633088_63633102CAG[2]TGGCCTTTTTTTTTTTTTTTTTTTTTTTTNNNNNNNNNNAACACACAGCTCTAGGCAAGGAAACCCAGGTGTGCAGCACTGCCCGACCCGACCCAACCCGCCCCCGGTACCAGCAGTGGCCTTTT[1]

Genes: ATL3 (atlastin GTPase 3; minus strand), LNCROPM (lncRNA regulator of PLAAT3 mediated phospholipid metabolism; plus strand). Cytogenetic location: 11q13.1.
Variant type: Microsatellite.
Genome position: GRCh38: chr11:63,633,088-63,633,102. GRCh37 (hg19): chr11:63,400,560-63,400,574.
Identifiers: ClinVar variation 1393807 (VCV001393807.7).